The following is an entry in ClinVar:

ClinVar aggregate classification (germline): Uncertain significance (1 of 4 stars; one submission).

Conditions:
Dworschak-Punetha neurodevelopmental syndrome (DWOPNED). Identifiers: MedGen C5677017, MONDO:0859260, OMIM 619955.

Submission:

Breda Genetics srl
Classification: Uncertain significance for Dworschak-Punetha neurodevelopmental syndrome. Last evaluated: 2021-11-09. Review status: criteria provided, single submitter. Criteria: ACMG Guidelines, 2015. Collection method: clinical testing. Allele origin: germline. Inheritance: Autosomal recessive inheritance. Affected: yes.
Comment: The variant c.3020A>T (p.Asn1007Ile) in the PLXNA1 gene has not been reported in dbSNP, gnomAD or ClinVar. The nucleotide position is conserved across 35 mammalian species (GERP RS: 4.08). In silico analysis indicates that the variant might be damaging. Based on ACMG variant interpretation guidelines, we classify this variant as uncertain.

NM_032242.4(PLXNA1):c.3020A>T (p.Asn1007Ile)

Gene: PLXNA1 (plexin A1; plus strand). Cytogenetic location: 3q21.3.
Variant type: single nucleotide variant.
Coding change: c.3020A>T on transcript NM_032242.4 (MANE Select); coding-DNA position 3020, A replaced by T.
Protein change: p.Asn1007Ile; replaces asparagine 1007 with isoleucine.
Molecular consequence: missense variant.
Genome position (GRCh38, 1-based): chr3:127,016,522, A>T. VCF-style: chr3-127016522-A-T. GRCh37 (hg19) VCF-style: chr3-126735365-A-T.
Other names: short protein forms N1007I.
Identifiers: ClinVar variation 1711874 (VCV001711874.1), dbSNP rs2472542803, ClinGen allele CA354389072.
Genomic context (GRCh38, chr3:127,016,522, plus strand): 5'-CACCTGCCTGGGTTCCACCCGTGTGCTCCTCACTGTCCCACTCGGGCACCTCCAGGAGGA[A>T]CTCCCGTGAGATCCGGTGCCTGACACCCCCCGGGCAGAGCCCTGGCAGCGCTCCCATCAT-3'
Protein context (NP_115618.3, residues 997-1017): GGRPCSFSWR[Asn1007Ile]SREIRCLTPP